The following is an entry in ClinVar:

ClinVar aggregate classification (germline): Uncertain significance. Review status: criteria provided, multiple submitters, no conflicts (2 of 4 stars). 5 submissions from 5 submitters: Uncertain significance (5). Last evaluated 2026-01-28.

Conditions:
Cardiovascular phenotype. Identifiers: MedGen CN230736.
Dilated cardiomyopathy 1W (CMD1W). Identifiers: Orphanet 154, MedGen C1969639, MONDO:0012667, OMIM 611407.
Hypertrophic cardiomyopathy 15. Identifiers: MedGen C2750459, MONDO:0013200, OMIM 613255.

Allele frequency attached by ClinVar (database versions not stated): TOPMed 0.00011; ESP Exome Variant Server 0.00015; 1000 Genomes Project 0.00040; 1000 Genomes Project 30x 0.00047.
gnomAD v4.1: 26 of 1,614,180 alleles (0.0016%); highest among the groups gnomAD compares: African/African-American, 0.024%; no homozygotes.

Submissions (5):

Labcorp Genetics (formerly Invitae), Labcorp
Classification: Uncertain significance for Dilated cardiomyopathy 1W. Last evaluated: 2026-01-28. Review status: criteria provided, single submitter. Criteria: Invitae Variant Classification Sherloc (09022015). Collection method: clinical testing. Allele origin: germline.
Comment: This sequence change replaces valine, which is neutral and non-polar, with leucine, which is neutral and non-polar, at codon 189 of the VCL protein (p.Val189Leu). This variant is present in population databases (rs151045204, gnomAD 0.03%). This variant has not been reported in the literature in individuals affected with VCL-related conditions. ClinVar contains an entry for this variant (Variation ID: 450850). An algorithm developed to predict the effect of missense changes on protein structure and function (PolyPhen-2) suggests that this variant is likely to be tolerated. In summary, the available evidence is currently insufficient to determine the role of this variant in disease. Therefore, it has been classified as a Variant of Uncertain Significance.

Ambry Genetics
Classification: Uncertain significance for Cardiovascular phenotype. Last evaluated: 2025-12-11. Review status: criteria provided, single submitter. Criteria: Ambry Variant Classification Scheme 2023. Collection method: clinical testing. Allele origin: germline.

GeneDx
Classification: Uncertain significance. Last evaluated: 2024-11-19. Review status: criteria provided, single submitter. Criteria: GeneDx Variant Classification Process June 2021. Collection method: clinical testing. Allele origin: germline. Affected: yes.
Comment: In silico analysis indicates that this missense variant does not alter protein structure/function; Has not been previously published as pathogenic or benign to our knowledge

Fulgent Genetics
Classification: Uncertain significance for Dilated cardiomyopathy 1W; Hypertrophic cardiomyopathy 15. Last evaluated: 2021-08-26. Review status: criteria provided, single submitter. Criteria: ACMG Guidelines, 2015. Collection method: clinical testing. Allele origin: unknown.

Mayo Clinic Laboratories, Mayo Clinic
Classification: Uncertain significance. Last evaluated: 2021-02-01. Review status: criteria provided, single submitter. Criteria: ACMG Guidelines, 2015. Collection method: clinical testing. Allele origin: germline. Observed: 1 variant allele.

NM_014000.3(VCL):c.565G>T (p.Val189Leu)

Gene: VCL (vinculin; plus strand). Cytogenetic location: 10q22.2.
Variant type: single nucleotide variant.
Coding change: c.565G>T on transcript NM_014000.3 (MANE Select); coding-DNA position 565, G replaced by T.
Protein change: p.Val189Leu; replaces valine 189 with leucine.
Molecular consequence: missense variant.
Genome position (GRCh38, 1-based): chr10:74,072,795, G>T. VCF-style: chr10-74072795-G-T. GRCh37 (hg19) VCF-style: chr10-75832553-G-T.
Other names: c.565G>T, p.Val189Leu (NM_003373.4); short protein forms V189L.
Identifiers: ClinVar variation 450850 (VCV000450850.20), dbSNP rs151045204, ClinGen allele CA5562801.